The following is an entry in ClinVar:

ClinVar aggregate classification (germline): Conflicting classifications of pathogenicity. Review status: criteria provided, conflicting classifications (1 of 4 stars). 2 submissions from 2 submitters: Uncertain significance (1); Likely benign (1). Last evaluated 2024-05-23.

Conditions:
COL6A3-related disorder. Also called: COL6A3-related disorders; COL6A3-related condition.
Bethlem myopathy 1A. Also called: MYOPATHY, BENIGN CONGENITAL, WITH CONTRACTURES; Bethlem Muscular Dystrophy; Bethlem myopathy 1. Identifiers: Orphanet 610, MedGen CN029274, MONDO:0024530, OMIM 158810.

gnomAD v4.1: 13 of 1,614,020 alleles (0.00081%); highest among the groups gnomAD compares: South Asian, 0.0011%; no homozygotes.

Submissions (2):

Labcorp Genetics (formerly Invitae), Labcorp
Classification: Likely benign for Bethlem myopathy 1A. Last evaluated: 2024-05-23. Review status: criteria provided, single submitter. Criteria: Invitae Variant Classification Sherloc (09022015). Collection method: clinical testing. Allele origin: germline.

PreventionGenetics, part of Exact Sciences
Classification: Uncertain significance for COL6A3-related condition. Last evaluated: 2022-10-26. Review status: criteria provided, single submitter. Criteria: ACMG Guidelines, 2015. Collection method: clinical testing. Allele origin: germline.
Comment: The COL6A3 c.661G>T variant is predicted to result in the amino acid substitution p.Val221Leu. To our knowledge, this variant has not been reported in the literature. This variant is reported in 0.0035% of alleles in individuals of European (Non-Finnish) descent in gnomAD. At this time, the clinical significance of this variant is uncertain due to the absence of conclusive functional and genetic evidence.

NM_004369.4(COL6A3):c.661G>T (p.Val221Leu)

Gene: COL6A3 (collagen type VI alpha 3 chain; minus strand). Cytogenetic location: 2q37.3.
Variant type: single nucleotide variant.
Coding change: c.661G>T on transcript NM_004369.4 (MANE Select); coding-DNA position 661, G replaced by T.
Protein change: p.Val221Leu; replaces valine 221 with leucine.
Molecular consequence: missense variant. On other transcripts: intron variant (4).
Genome position (GRCh38, 1-based): chr2:237,394,635, C>A on the plus strand (G>T on the coding strand, the complement: COL6A3 is on the minus strand). VCF-style: chr2-237394635-C-A. GRCh37 (hg19) VCF-style: chr2-238303278-C-A.
Other names: c.91+2092G>T (NM_057164.5, NM_057165.5, NM_057166.5 and 1 more transcripts); short protein forms V221L.
Identifiers: ClinVar variation 2637215 (VCV002637215.4), dbSNP rs765527121, ClinGen allele CA2189819.